The following is an entry in ClinVar:

ClinVar aggregate classification (germline): Uncertain significance. Review status: criteria provided, multiple submitters, no conflicts (2 of 4 stars). 2 submissions from 2 submitters: Uncertain significance (2). Last evaluated 2024-10-05.

Conditions:
Inborn genetic diseases. Identifiers: MedGen C0950123, MeSH D030342.

Allele frequency attached by ClinVar (database versions not stated): TOPMed below 0.00001; ExAC 0.00001; gnomAD exomes 0.00001.
gnomAD v4.1: 3 of 1,614,098 alleles (0.00019%); highest among the groups gnomAD compares: Admixed American, 0.0033%; no homozygotes.

Submissions (2):

Ambry Genetics
Classification: Uncertain significance for Inborn genetic diseases. Last evaluated: 2024-10-05. Review status: criteria provided, single submitter. Criteria: Ambry Variant Classification Scheme 2023. Collection method: clinical testing. Allele origin: germline.
Comment: The p.I1078V variant (also known as c.3232A>G), located in coding exon 24 of the ANKRD26 gene, results from an A to G substitution at nucleotide position 3232. The isoleucine at codon 1078 is replaced by valine, an amino acid with highly similar properties. This amino acid position is conserved. In addition, this alteration is predicted to be tolerated by in silico analysis. Based on the available evidence, the clinical significance of this variant remains unclear.

Labcorp Genetics (formerly Invitae), Labcorp
Classification: Uncertain significance. Last evaluated: 2023-11-03. Review status: criteria provided, single submitter. Criteria: Invitae Variant Classification Sherloc (09022015). Collection method: clinical testing. Allele origin: germline.
Comment: This sequence change replaces isoleucine, which is neutral and non-polar, with valine, which is neutral and non-polar, at codon 1078 of the ANKRD26 protein (p.Ile1078Val). This variant is present in population databases (rs747435631, gnomAD 0.003%). This variant has not been reported in the literature in individuals affected with ANKRD26-related conditions. An algorithm developed to predict the effect of missense changes on protein structure and function (PolyPhen-2) suggests that this variant is likely to be disruptive. In summary, the available evidence is currently insufficient to determine the role of this variant in disease. Therefore, it has been classified as a Variant of Uncertain Significance.

NM_014915.3(ANKRD26):c.3232A>G (p.Ile1078Val)

Gene: ANKRD26 (ankyrin repeat domain 26; minus strand). Cytogenetic location: 10p12.1.
Variant type: single nucleotide variant.
Coding change: c.3232A>G on transcript NM_014915.3 (MANE Select); coding-DNA position 3232, A replaced by G.
Protein change: p.Ile1078Val; replaces isoleucine 1078 with valine.
Molecular consequence: missense variant.
Genome position (GRCh38, 1-based): chr10:27,035,218, T>C on the plus strand (A>G on the coding strand, the complement: ANKRD26 is on the minus strand). VCF-style: chr10-27035218-T-C. GRCh37 (hg19) VCF-style: chr10-27324147-T-C.
Other names: c.3229A>G, p.Ile1077Val (NM_001256053.2); short protein forms I1078V, I1077V.
Identifiers: ClinVar variation 2790416 (VCV002790416.4), dbSNP rs747435631, ClinGen allele CA5448071.